The following is an entry in ClinVar:

NM_001851.6(COL9A1):c.2088A>G (p.Ile696Met)

Gene: COL9A1 (collagen type IX alpha 1 chain; minus strand). Cytogenetic location: 6q13.
Variant type: single nucleotide variant.
Coding change: c.2088A>G on transcript NM_001851.6 (MANE Select); coding-DNA position 2088, A replaced by G.
Protein change: p.Ile696Met; replaces isoleucine 696 with methionine.
Molecular consequence: missense variant. On other transcripts: non-coding transcript variant (1).
Genome position (GRCh38, 1-based): chr6:70,239,278, T>C on the plus strand (A>G on the coding strand, the complement: COL9A1 is on the minus strand). VCF-style: chr6-70239278-T-C. GRCh37 (hg19) VCF-style: chr6-70948981-T-C.
Other names: c.1389A>G, p.Ile463Met (NM_001377289.1); c.1359A>G, p.Ile453Met (NM_001377290.1, NM_078485.4); short protein forms I453M, I463M, I696M.
Identifiers: ClinVar variation 1419864 (VCV001419864.3), dbSNP rs1770101448, ClinGen allele CA364674117.

ClinVar aggregate classification (germline): Uncertain significance (1 of 4 stars; one submission).

Submission:

Labcorp Genetics (formerly Invitae), Labcorp
Classification: Uncertain significance. Last evaluated: 2021-09-10. Review status: criteria provided, single submitter. Criteria: Invitae Variant Classification Sherloc (09022015). Collection method: clinical testing. Allele origin: germline.
Comment: This sequence change replaces isoleucine with methionine at codon 696 of the COL9A1 protein (p.Ile696Met). The isoleucine residue is moderately conserved and there is a small physicochemical difference between isoleucine and methionine. This variant is not present in population databases (ExAC no frequency). This variant has not been reported in the literature in individuals affected with COL9A1-related conditions. Advanced modeling of protein sequence and biophysical properties (such as structural, functional, and spatial information, amino acid conservation, physicochemical variation, residue mobility, and thermodynamic stability) performed at Invitae indicates that this missense variant is not expected to disrupt COL9A1 protein function. In summary, the available evidence is currently insufficient to determine the role of this variant in disease. Therefore, it has been classified as a Variant of Uncertain Significance.